The following is an entry in ClinVar:

ClinVar aggregate classification (germline): Uncertain significance (1 of 4 stars; one submission).

Conditions:
Inborn genetic diseases. Identifiers: MedGen C0950123, MeSH D030342.

Submission:

Ambry Genetics
Classification: Uncertain significance for Inborn genetic diseases. Last evaluated: 2025-05-03. Review status: criteria provided, single submitter. Criteria: Ambry Variant Classification Scheme 2023. Collection method: clinical testing. Allele origin: germline.
Comment: The p.K11E variant (also known as c.31A>G), located in coding exon 1 of the DHCR7 gene, results from an A to G substitution at nucleotide position 31. The lysine at codon 11 is replaced by glutamic acid, an amino acid with similar properties. This amino acid position is conserved. In addition, the in silico prediction for this alteration is inconclusive. Based on the available evidence, the clinical significance of this variant remains unclear.

NM_001360.3(DHCR7):c.31A>G (p.Lys11Glu)

Gene: DHCR7 (7-dehydrocholesterol reductase; minus strand). Cytogenetic location: 11q13.4.
Variant type: single nucleotide variant.
Coding change: c.31A>G on transcript NM_001360.3 (MANE Select); coding-DNA position 31, A replaced by G.
Protein change: p.Lys11Glu; replaces lysine 11 with glutamic acid.
Molecular consequence: missense variant. On other transcripts: 5 prime UTR variant (1).
Genome position (GRCh38, 1-based): chr11:71,444,922, T>C on the plus strand (A>G on the coding strand, the complement: DHCR7 is on the minus strand). VCF-style: chr11-71444922-T-C. GRCh37 (hg19) VCF-style: chr11-71155968-T-C.
Other names: c.31A>G, p.Lys11Glu (NM_001163817.2, NM_001425107.1, NM_001425108.1 and 11 more transcripts); c.-215A>G (NM_001425117.1); short protein forms K11E.
Identifiers: ClinVar variation 4011247 (VCV004011247.1).